The following is an entry in ClinVar:

NM_181507.2(HPS5):c.2837+138dup

Gene: HPS5 (HPS5 biogenesis of lysosomal organelles complex 2 subunit 2; minus strand). Cytogenetic location: 11p15.1.
Variant type: Duplication.
Coding change: c.2837+138dup on transcript NM_181507.2 (MANE Select); 138 bases into the intron after coding-DNA position 2837, one base duplicated (T; older notation c.2837+138dupT).
Molecular consequence: intron variant.
Genome position (GRCh38, 1-based): chr11:18,286,453, A duplicated on the plus strand (T on the coding strand, the reverse complement: HPS5 is on the minus strand); the first of 2 consecutive A bases (chr11:18,286,453-18,286,454); duplicating either gives the same sequence. VCF-style (leftmost placement, unchanged base first): chr11-18286452-T-TA. GRCh37 (hg19) VCF-style: chr11-18307999-T-TA.
Other names: c.2423+138dup (NM_001440929.1, NM_001440928.1, NM_001440927.1); c.2495+138dup (NM_181508.2, NM_001440921.1, NM_001440926.1 and 6 more transcripts); c.2726+138dup (NM_001440915.1, NM_001440914.1, NM_001440913.1); c.1982+138dup (NM_001440931.1); c.2681+138dup (NM_001440917.1); c.2837+138dup (NM_001440906.1, NM_001440905.1, NM_001440903.1 and 2 more transcripts); c.2762+138dup (NM_001440907.1, NM_001440909.1, NM_001440908.1); c.2376-994dup (NM_001440930.1); and 3 more.
Identifiers: ClinVar variation 4813953 (VCV004813953.1).

ClinVar aggregate classification (germline): Likely benign (1 of 4 stars; one submission).

Submission:

GeneDx
Classification: Likely benign. Last evaluated: 2021-05-12. Review status: criteria provided, single submitter. Criteria: GeneDx Variant Classification Process June 2021. Collection method: clinical testing. Allele origin: germline. Affected: yes.
Comment: See Variant Classification Assertion Criteria.